The following is an entry in ClinVar:

ClinVar aggregate classification (germline): Uncertain significance (1 of 4 stars; one submission).

Conditions:
H syndrome. Also called: FAISALABAD HISTIOCYTOSIS; Histiocytosis with joint contractures and sensorineural deafness; HISTIOCYTOSIS AND LYMPHADENOPATHY WITH OR WITHOUT CUTANEOUS, CARDIAC, AND/OR ENDOCRINE FEATURES, JOINT CONTRACTURES, AND/OR DEAFNESS; HYPERPIGMENTATION, CUTANEOUS, WITH HYPERTRICHOSIS, HEPATOSPLENOMEGALY, HEART ANOMALIES, AND HYPOGONADISM WITH OR WITHOUT HEARING LOSS; PIGMENTED HYPERTRICHOSIS WITH INSULIN-DEPENDENT DIABETES MELLITUS; ROSAI-DORFMAN DISEASE, FAMILIAL. Identifiers: Orphanet 168569, MedGen C1864445, MONDO:0011273, OMIM 602782.

gnomAD v4.1: 3 of 1,614,084 alleles (0.00019%); highest among the groups gnomAD compares: Non-Finnish European, 0.00025%; no homozygotes.

Submission:

Labcorp Genetics (formerly Invitae), Labcorp
Classification: Uncertain significance for H syndrome. Last evaluated: 2021-06-15. Review status: criteria provided, single submitter. Criteria: Invitae Variant Classification Sherloc (09022015). Collection method: clinical testing. Allele origin: germline.
Comment: In summary, the available evidence is currently insufficient to determine the role of this variant in disease. Therefore, it has been classified as a Variant of Uncertain Significance. This sequence change affects codon 188 of the SLC29A3 mRNA. It is a 'silent' change, meaning that it does not change the encoded amino acid sequence of the SLC29A3 protein. This variant is not present in population databases (ExAC no frequency). This variant has not been reported in the literature in individuals with SLC29A3-related conditions. Algorithms developed to predict the effect of sequence changes on RNA splicing suggest that this variant may create or strengthen a splice site, but this prediction has not been confirmed by published transcriptional studies.

NM_018344.6(SLC29A3):c.564C>T (p.Gly188=)

Gene: SLC29A3 (solute carrier family 29 member 3; plus strand). Cytogenetic location: 10q22.1.
Variant type: single nucleotide variant.
Coding change: c.564C>T on transcript NM_018344.6 (MANE Select); coding-DNA position 564, C replaced by T.
Protein change: p.Gly188=; no amino-acid change (glycine 188 retained).
Molecular consequence: synonymous variant. On other transcripts: non-coding transcript variant (1).
Genome position (GRCh38, 1-based): chr10:71,351,742, C>T. VCF-style: chr10-71351742-C-T. GRCh37 (hg19) VCF-style: chr10-73111499-C-T.
Other names: c.564C>T, p.Gly188= (NM_001174098.2); c.330C>T, p.Gly110= (NM_001363518.2).
Identifiers: ClinVar variation 1400961 (VCV001400961.8), dbSNP rs2131839320, ClinGen allele CA470052156.